The following is an entry in ClinVar:

ClinVar aggregate classification (germline): Uncertain significance (1 of 4 stars; one submission).

Conditions:
SH2B1-related disorder. Also called: SH2B1-related condition.

gnomAD v4.1: 7 of 1,605,036 alleles (0.00044%); highest among the groups gnomAD compares: Non-Finnish European, 0.0006%; no homozygotes.

Submission:

PreventionGenetics, part of Exact Sciences
Classification: Uncertain significance for SH2B1-related condition. Last evaluated: 2026-03-02. Review status: criteria provided, single submitter. Criteria: ACMG Guidelines, 2015. Collection method: clinical testing. Allele origin: germline.
Comment: The SH2B1 c.586G>A variant is predicted to result in the amino acid substitution p.Gly196Arg. To our knowledge, this variant has not been reported in the literature or in a large population database (gnomAD), indicating this variant is rare. At this time, the clinical significance of this variant is uncertain due to the absence of conclusive functional and genetic evidence.

NM_001387430.1(SH2B1):c.586G>A (p.Gly196Arg)

Gene: SH2B1 (SH2B adaptor protein 1; plus strand). Cytogenetic location: 16p11.2.
Variant type: single nucleotide variant.
Coding change: c.586G>A on transcript NM_001387430.1 (MANE Select); coding-DNA position 586, G replaced by A.
Protein change: p.Gly196Arg; replaces glycine 196 with arginine.
Molecular consequence: missense variant. On other transcripts: intron variant (1).
Genome position (GRCh38, 1-based): chr16:28,866,680, G>A. VCF-style: chr16-28866680-G-A. GRCh37 (hg19) VCF-style: chr16-28878001-G-A.
Other names: c.586G>A, p.Gly196Arg (NM_001145795.2, NM_001145796.2, NM_001145797.2 and 4 more transcripts); c.-26-694G>A (NM_001308294.2); short protein forms G196R.
Identifiers: ClinVar variation 4981354 (VCV004981354.1).